The following is an entry in ClinVar:

ClinVar aggregate classification (germline): Likely pathogenic (1 of 4 stars; one submission).

Conditions:
Glycine encephalopathy. Also called: Nonketotic hyperglycinemia; Non-ketotic hyperglycinemia. Identifiers: Orphanet 407, MedGen C0751748, MONDO:0011612, HP:0008288.

Submission:

Labcorp Genetics (formerly Invitae), Labcorp
Classification: Likely pathogenic for Glycine encephalopathy. Last evaluated: 2021-11-07. Review status: criteria provided, single submitter. Criteria: Invitae Variant Classification Sherloc (09022015). Collection method: clinical testing. Allele origin: germline.
Comment: This variant results in the deletion of part of exon 17 of the GLDC gene. It is expected to disrupt RNA splicing. Variants that disrupt the donor or acceptor splice site typically lead to a loss of protein function (PMID: 16199547), and loss-of-function variants in GLDC are known to be pathogenic (PMID: 16601880). This variant has not been reported in the literature in individuals affected with GLDC-related conditions. In summary, the currently available evidence indicates that the variant is pathogenic, but additional data are needed to prove that conclusively. Therefore, this variant has been classified as Likely Pathogenic.

Literature cited by the submitters: PubMed 16199547; PubMed 16601880.

NC_000009.11:g.(?_6558564)_(6559850_?)del

Gene: GLDC (glycine decarboxylase; minus strand). Cytogenetic location: 9p24.1.
Variant type: Deletion.
Identifiers: ClinVar variation 2422524 (VCV002422524.7).